The following is an entry in ClinVar:

ClinVar aggregate classification (germline): Likely benign (1 of 4 stars; one submission).

Conditions:
FHOD3-related disorder. Also called: FHOD3-related condition.

gnomAD v4.1: 59 of 1,614,126 alleles (0.0037%); highest among the groups gnomAD compares: Middle Eastern, 0.017%; 1 homozygote.

Submission:

PreventionGenetics, part of Exact Sciences
Classification: Likely benign for FHOD3-related condition. Last evaluated: 2026-08-27. Review status: criteria provided, single submitter. Criteria: ACMG Guidelines, 2015. Collection method: clinical testing. Allele origin: germline.
Comment: This variant is classified as likely benign based on ACMG/AMP sequence variant interpretation guidelines (Richards et al. 2015 PMID: 25741868, with internal and published modifications).

NM_001281740.3(FHOD3):c.852C>T (p.Asp284=)

Gene: FHOD3 (formin homology 2 domain containing 3; plus strand). Cytogenetic location: 18q12.2.
Variant type: single nucleotide variant.
Coding change: c.852C>T on transcript NM_001281740.3 (MANE Select); coding-DNA position 852, C replaced by T.
Protein change: p.Asp284=; no amino-acid change (aspartic acid 284 retained).
Molecular consequence: synonymous variant.
Genome position (GRCh38, 1-based): chr18:36,611,990, C>T. VCF-style: chr18-36611990-C-T. GRCh37 (hg19) VCF-style: chr18-34191953-C-T.
Other names: c.852C>T, p.Asp284= (NM_001281739.3, NM_025135.5).
Identifiers: ClinVar variation 4977560 (VCV004977560.1).